The following is an entry in ClinVar:

ClinVar aggregate classification (germline): Uncertain significance. Review status: criteria provided, multiple submitters, no conflicts (2 of 4 stars). 4 submissions from 4 submitters: Uncertain significance (4). Last evaluated 2026-10-01.

Conditions:
Hereditary cancer-predisposing syndrome. Also called: Hereditary Cancer Syndrome; Neoplastic Syndromes, Hereditary; Tumor predisposition; Hereditary neoplastic syndrome. Identifiers: Orphanet 140162, MedGen C0027672, MeSH D009386, MONDO:0015356.
Hereditary diffuse gastric adenocarcinoma (HDGC). Also called: DIFFUSE GASTRIC AND LOBULAR BREAST CANCER SYNDROME. Identifiers: Orphanet 26106, MedGen C1708349, MONDO:0007648, OMIM 137215.

Allele frequency attached by ClinVar (database versions not stated): gnomAD exomes below 0.00001; TOPMed below 0.00001.
gnomAD v4.1: 24 of 1,612,940 alleles (0.0015%); highest among the groups gnomAD compares: Non-Finnish European, 0.0019%; no homozygotes.

Submissions (4):

St. Jude Molecular Pathology, St. Jude Children's Research Hospital
Classification: Uncertain significance for Hereditary diffuse gastric adenocarcinoma. Last evaluated: 2026-10-01. Review status: criteria provided, single submitter. Criteria: St. Jude Assertion Criteria 2020. Collection method: clinical testing. Allele origin: germline.
Comment: The CTNNA1 c.2281C>T p.(Arg761Cys) missense change has a maximum subpopulation frequency of 0.003% in gnomAD v2.1.1 (g/). The in silico tool REVEL is inconclusive about a pathogenic or benign effect of this variant on protein function, and to our knowledge functional studies have not been performed. To our knowledge, this variant has not been reported in individuals wi th CTNNA1-related disease. In summary, the evidence currently available is insufficient to determine the clinical significance of this variant. It has therefore been classified as of uncertain significance (VUS-Low).

Labcorp Genetics (formerly Invitae), Labcorp
Classification: Uncertain significance. Last evaluated: 2026-01-13. Review status: criteria provided, single submitter. Criteria: Invitae Variant Classification Sherloc (09022015). Collection method: clinical testing. Allele origin: germline.
Comment: This sequence change replaces arginine, which is basic and polar, with cysteine, which is neutral and slightly polar, at codon 761 of the CTNNA1 protein (p.Arg761Cys). This variant is present in population databases (no rsID available, gnomAD 0.003%). This variant has not been reported in the literature in individuals affected with CTNNA1-related conditions. ClinVar contains an entry for this variant (Variation ID: 641666). Invitae Evidence Modeling of protein sequence and biophysical properties (such as structural, functional, and spatial information, amino acid conservation, physicochemical variation, residue mobility, and thermodynamic stability) has been performed for this missense variant. However, the output from this modeling did not meet the statistical confidence thresholds required to predict the impact of this variant on CTNNA1 protein function. In summary, the available evidence is currently insufficient to determine the role of this variant in disease. Therefore, it has been classified as a Variant of Uncertain Significance.

Ambry Genetics
Classification: Uncertain significance for Hereditary cancer-predisposing syndrome. Last evaluated: 2025-10-16. Review status: criteria provided, single submitter. Criteria: Ambry Variant Classification Scheme 2023. Collection method: clinical testing. Allele origin: germline.
Comment: The p.R761C variant (also known as c.2281C>T), located in coding exon 15 of the CTNNA1 gene, results from a C to T substitution at nucleotide position 2281. The arginine at codon 761 is replaced by cysteine, an amino acid with highly dissimilar properties. This amino acid position is highly conserved in available vertebrate species. In addition, the in silico prediction for this alteration is inconclusive. Based on the available evidence, the clinical significance of this variant remains unclear.

GeneDx
Classification: Uncertain significance. Last evaluated: 2023-06-05. Review status: criteria provided, single submitter. Criteria: GeneDx Variant Classification Process June 2021. Collection method: clinical testing. Allele origin: germline.
Comment: Not observed at significant frequency in large population cohorts (gnomAD); In silico analysis supports that this missense variant has a deleterious effect on protein structure/function; Identified in individuals referred for hereditary cancer multi-gene panel testing (Clark et al., 2020); This variant is associated with the following publications: (PMID: 32051609)

NM_001903.5(CTNNA1):c.2281C>T (p.Arg761Cys)

Gene: CTNNA1 (catenin alpha 1; plus strand). Cytogenetic location: 5q31.2.
Variant type: single nucleotide variant.
Coding change: c.2281C>T on transcript NM_001903.5 (MANE Select); coding-DNA position 2281, C replaced by T.
Protein change: p.Arg761Cys; replaces arginine 761 with cysteine.
Molecular consequence: missense variant.
Genome position (GRCh38, 1-based): chr5:138,930,918, C>T. VCF-style: chr5-138930918-C-T. GRCh37 (hg19) VCF-style: chr5-138266607-C-T.
Other names: c.928C>T, p.Arg310Cys (NM_001324012.1, NM_001324013.1); c.1171C>T, p.Arg391Cys (NM_001324000.1, NM_001324001.1, NM_001324002.1 and 17 more transcripts); c.832C>T, p.Arg278Cys (NM_001324006.1, NM_001324007.1, NM_001324008.1 and 2 more transcripts); c.2281C>T, p.Arg761Cys (NM_001290307.3, NM_001323982.2, NM_001323983.1 and 2 more transcripts); c.1972C>T, p.Arg658Cys (NM_001290309.3); c.1912C>T, p.Arg638Cys (NM_001290310.3); c.2188C>T, p.Arg730Cys (NM_001323986.2); c.1078C>T, p.Arg360Cys (NM_001324011.1); and 1 more; short protein forms R391C, R638C, R730C, R310C, R360C, R658C, R278C, R761C.
Identifiers: ClinVar variation 641666 (VCV000641666.14), dbSNP rs1189259615, ClinGen allele CA361133943.